The following is an entry in ClinVar:

ClinVar aggregate classification (germline): Pathogenic (1 of 4 stars; one submission).

Submission:

ISCA site 4
Classification: Pathogenic. Last evaluated: 2011-08-12. Review status: criteria provided, single submitter. Criteria: Kaminsky et al. (Genet Med. 2011). Collection method: clinical testing. Allele origin: unknown. Affected: yes. Observed: 1 variant allele.
Comment: Copy number variation identified through the course of routine clinical cytogenomic testing in postnatal populations. Clinical assertions have been curated as described in Kaminsky et al. 2011.

GRCh38/hg38 17p13.3(chr17:198748-3102332)x1

Genes: MIR1253 (microRNA 1253; minus strand), MIR132 (microRNA 132; minus strand), MIR212 (microRNA 212; minus strand), MIR22 (microRNA 22; minus strand), MIR22HG (MIR22 host gene; minus strand) and 216 more. Cytogenetic location: 17p13.3.
Variant type: copy number loss.
Change: copy number 1 (one copy instead of two) of chr17:198,748-3,102,332 (2.90 Mb, GRCh38 coordinates, 1-based), cytogenetic band 17p13.3.
Identifiers: ClinVar variation 57265 (VCV000057265.1).